The following is an entry in ClinVar:

ClinVar aggregate classification (germline): Uncertain significance (1 of 4 stars; one submission).

Conditions:
Inborn genetic diseases. Identifiers: MedGen C0950123, MeSH D030342.

Submission:

Ambry Genetics
Classification: Uncertain significance for Inborn genetic diseases. Last evaluated: 2023-12-07. Review status: criteria provided, single submitter. Criteria: Ambry Variant Classification Scheme 2023. Collection method: clinical testing. Allele origin: germline.
Comment: The p.D861H variant (also known as c.2581G>C), located in coding exon 16 of the EPAS1 gene, results from a G to C substitution at nucleotide position 2581. The aspartic acid at codon 861 is replaced by histidine, an amino acid with similar properties. This amino acid position is conserved. In addition, the in silico prediction for this alteration is inconclusive. Since supporting evidence is limited at this time, the clinical significance of this alteration remains unclear.

NM_001430.5(EPAS1):c.2581G>C (p.Asp861His)

Gene: EPAS1 (endothelial PAS domain protein 1; plus strand). Cytogenetic location: 2p21.
Variant type: single nucleotide variant.
Coding change: c.2581G>C on transcript NM_001430.5 (MANE Select); coding-DNA position 2581, G replaced by C.
Protein change: p.Asp861His; replaces aspartic acid 861 with histidine.
Molecular consequence: missense variant.
Genome position (GRCh38, 1-based): chr2:46,384,628, G>C. VCF-style: chr2-46384628-G-C. GRCh37 (hg19) VCF-style: chr2-46611767-G-C.
Other names: short protein forms D861H.
Identifiers: ClinVar variation 3221642 (VCV003221642.1), dbSNP rs1176986644, ClinGen allele CA346707167.
Genomic context (GRCh38, chr2:46,384,628, plus strand): 5'-AGATATGACTGTGAGGTGAACGTGCCCGTGCTGGGAAGCTCCACGCTCCTGCAAGGAGGG[G>C]ACCTCCTCAGAGCCCTGGACCAGGCCACCTGAGCCAGGCCTTCTACCTGGGCAGCACCTC-3'
Protein context (NP_001421.2, residues 851-870): LGSSTLLQGG[Asp861His]LLRALDQAT